The following is an entry in ClinVar:

NM_033118.4(MYLK2):c.393G>A (p.Lys131=)

Gene: MYLK2 (myosin light chain kinase 2; plus strand). Cytogenetic location: 20q11.21.
Variant type: single nucleotide variant.
Coding change: c.393G>A on transcript NM_033118.4 (MANE Select); coding-DNA position 393, G replaced by A.
Protein change: p.Lys131=; no amino-acid change (lysine 131 retained).
Molecular consequence: synonymous variant.
Genome position (GRCh38, 1-based): chr20:31,820,466, G>A. VCF-style: chr20-31820466-G-A. GRCh37 (hg19) VCF-style: chr20-30408269-G-A.
Identifiers: ClinVar variation 46525 (VCV000046525.9), dbSNP rs397517474, ClinGen allele CA138531.
Genomic context (GRCh38, chr20:31,820,466, plus strand): 5'-CAAGGCTGAGCAGGGAGCCTCAGGCAGCCAGGATCCTGGAAAGCCCAGGGTGGGCAAGAA[G>A]GCAGCAGAGGGCCAAGCAGCAGCCAGGAGGGGCTCACCTGCCTTTCTGCATAGCCCCAGC-3'
Protein context (NP_149109.1, residues 121-141): QDPGKPRVGK[Lys131=]AAEGQAAARR

ClinVar aggregate classification (germline): Likely benign. Review status: criteria provided, multiple submitters, no conflicts (2 of 4 stars). 2 submissions from 2 submitters: Likely benign (2). Last evaluated 2025-11-10.

Conditions:
Hypertrophic cardiomyopathy 1 (CMH1). Also called: Familial hypertrophic cardiomyopathy 1; MYH7-Related Familial Hypertrophic Cardiomyopathy. Identifiers: MedGen C3495498, MONDO:0008647, OMIM 192600.

Allele frequency attached by ClinVar (database versions not stated): gnomAD exomes below 0.00001; gnomAD 0.00001; TOPMed 0.00001.

Submissions (2):

Labcorp Genetics (formerly Invitae), Labcorp
Classification: Likely benign for Hypertrophic cardiomyopathy 1. Last evaluated: 2025-11-10. Review status: criteria provided, single submitter. Criteria: Invitae Variant Classification Sherloc (09022015). Collection method: clinical testing. Allele origin: germline.

Laboratory for Molecular Medicine, Mass General Brigham Personalized Medicine
Classification: Likely benign. Last evaluated: 2012-01-05. Review status: criteria provided, single submitter. Criteria: LMM Criteria. Collection method: clinical testing. Allele origin: germline. Observed: 1 variant allele.
Comment: Lys131Lys in exon 3 of MYLK2: This variant is not expected to have clinical sign ificance because it does not alter an amino acid residue and is not located with in the splice consensus sequence. Lys131Lys in exon 3 of MYLK2 (allele frequenc y = n/a)